The following is an entry in ClinVar:

NC_000015.10:g.48456695_48456697delinsAGTC

Gene: FBN1 (fibrillin 1; minus strand). Cytogenetic location: 15q21.1.
Variant type: Indel.
Genome position: GRCh38 VCF-style: chr15-48456695-GCT-AGTC. GRCh37 (hg19) VCF-style: chr15-48748892-GCT-AGTC.
Other names: c.5362_5364delinsGACT, p.Ser1788fs (LRG_778t1).
Identifiers: ClinVar variation 576668 (VCV000576668.1), dbSNP rs1566901605, ClinGen allele CA891844494.
Genomic context (GRCh38, chr15:48,456,695, plus strand): 5'-ACCTTCACAAACCAACAACTTGTCATTATAGAAGAATCCCACTGGACATTCACATCGGAA[GCT>AGTC]GCCAACCATGTTGATACACACTCCATTTTCACAGACCCCTGGGATCTCCCGGCACTCATC-3'

ClinVar aggregate classification (germline): Pathogenic (1 of 4 stars; one submission).

Conditions:
Familial thoracic aortic aneurysm and aortic dissection (TAAD). Also called: Thoracic aortic aneurysms and dissections. Identifiers: Orphanet 91387, MedGen C4707243, MONDO:0019625.
Marfan syndrome (MFS). Also called: FBN1-Related Marfan Syndrome; Marfan syndrome type 1; Marfan's syndrome; Marfan syndrome, classic; MARFAN SYNDROME, TYPE I. Identifiers: Orphanet 284963, Orphanet 558, MedGen C0024796, MONDO:0007947, OMIM 154700.

Submission:

Labcorp Genetics (formerly Invitae), Labcorp
Classification: Pathogenic for Marfan syndrome; Thoracic aortic aneurysm and aortic dissection. Last evaluated: 2018-07-03. Review status: criteria provided, single submitter. Criteria: Invitae Variant Classification Sherloc (09022015). Collection method: clinical testing. Allele origin: germline.
Comment: This sequence change creates a premature translational stop signal (p.Ser1788Aspfs*5) in the FBN1 gene. It is expected to result in an absent or disrupted protein product. This variant is not present in population databases (ExAC no frequency). This variant has not been reported in the literature in individuals with FBN1-related disease. Loss-of-function variants in FBN1 are known to be pathogenic (PMID: 17657824, 19293843). For these reasons, this variant has been classified as Pathogenic.